The following is an entry in ClinVar:

NM_000204.5(CFI):c.1738C>T (p.Gln580Ter)

Gene: CFI (complement factor I; minus strand). Cytogenetic location: 4q25.
Variant type: single nucleotide variant.
Coding change: c.1738C>T on transcript NM_000204.5 (MANE Select); coding-DNA position 1738, C replaced by T.
Protein change: p.Gln580Ter; replaces glutamine 580 with a stop codon.
Molecular consequence: nonsense. On other transcripts: 3 prime UTR variant (2), non-coding transcript variant (3), intron variant (7).
Genome position (GRCh38, 1-based): chr4:109,740,907, G>A on the plus strand (C>T on the coding strand, the complement: CFI is on the minus strand). VCF-style: chr4-109740907-G-A. GRCh37 (hg19) VCF-style: chr4-110662063-G-A.
Other names: c.1762C>T, p.Gln588Ter (NM_001318057.2); c.1717C>T, p.Gln573Ter (NM_001331035.2); c.1681C>T, p.Gln561Ter (NM_001375283.1); c.1129C>T, p.Gln377Ter (NM_001375284.1); c.1759C>T, p.Gln587Ter (NM_001440986.1); c.*438C>T (NM_001440989.1, NM_001440991.1); c.1513+1584C>T (NM_001375282.1, NM_001375280.1); c.1534+1584C>T (NM_001375281.1, NM_001375279.1); and 2 more; short protein forms Q377*, Q561*, Q573*, Q580*, Q587*, Q588*.
Identifiers: ClinVar variation 4280534 (VCV004280534.2).

ClinVar aggregate classification (germline): Uncertain significance. Review status: criteria provided, multiple submitters, no conflicts (2 of 4 stars). 2 submissions from 2 submitters: Uncertain significance (2). Last evaluated 2025-09-26.

Conditions:
CFI-related disorder. Also called: CFI-related disorders; CFI-related condition. Identifiers: MedGen CN239325.

gnomAD v4.1: 25 of 1,613,726 alleles (0.0015%); highest among the groups gnomAD compares: Non-Finnish European, 0.0019%; no homozygotes.

Submissions (2):

Genomenon, Inc
Classification: Uncertain significance for CFI-related disorder. Last evaluated: 2025-09-26. Review status: criteria provided, single submitter. Criteria: Genomenon Sequence Variant Interpretation Standards - Updated. Collection method: curation. Allele origin: germline. Affected: no.
Comment: CFI p.Gln580Ter (c.1738C>T) is a nonsense variant that introduces a premature stop codon at amino acid position 580, creating a truncated protein. To our knowledge, this variant has not been reported in patients affected with CFI-related disorders in the published literature. Functional studies have been reported; however, the significance of the findings remain unclear (PMID:32510551). It is absent or not present at a significant frequency in gnomAD. In conclusion, we classify CFI p.Gln580Ter (c.1738C>T) as a variant of unknown significance.

Labcorp Genetics (formerly Invitae), Labcorp
Classification: Uncertain significance. Last evaluated: 2025-05-14. Review status: criteria provided, single submitter. Criteria: Invitae Variant Classification Sherloc (09022015). Collection method: clinical testing. Allele origin: germline.
Comment: This sequence change creates a premature translational stop signal (p.Gln580*) in the CFI gene. While this is not anticipated to result in nonsense mediated decay, it is expected to disrupt the last 4 amino acid(s) of the CFI protein. This variant is not present in population databases (gnomAD no frequency). This premature translational stop signal has been observed in individual(s) with age-related macular degeneration (PMID: 24036952, 32510551). Algorithms developed to predict the effect of variants on gene product structure and function are not available or were not evaluated for this variant. Experimental studies are conflicting or provide insufficient evidence to determine the effect of this variant on CFI function (PMID: 32510551). In summary, the available evidence is currently insufficient to determine the role of this variant in disease. Therefore, it has been classified as a Variant of Uncertain Significance.

Literature cited by the submitters: PubMed 32510551 (cited by Genomenon, Inc and Labcorp Genetics (formerly Invitae), Labcorp); PubMed 24036952 (cited by Labcorp Genetics (formerly Invitae), Labcorp).